The following is an entry in ClinVar:

ClinVar aggregate classification (germline): Uncertain significance (1 of 4 stars; one submission).

Submission:

Labcorp Genetics (formerly Invitae), Labcorp
Classification: Uncertain significance. Last evaluated: 2023-02-19. Review status: criteria provided, single submitter. Criteria: Invitae Variant Classification Sherloc (09022015). Collection method: clinical testing. Allele origin: germline.
Comment: An algorithm developed to predict the effect of missense changes on protein structure and function (PolyPhen-2) suggests that this variant is likely to be disruptive. This variant has not been reported in the literature in individuals affected with TOPORS-related conditions. This variant is not present in population databases (gnomAD no frequency). This sequence change replaces glycine, which is neutral and non-polar, with arginine, which is basic and polar, at codon 460 of the TOPORS protein (p.Gly460Arg). In summary, the available evidence is currently insufficient to determine the role of this variant in disease. Therefore, it has been classified as a Variant of Uncertain Significance.

NM_005802.5(TOPORS):c.1378G>A (p.Gly460Arg)

Gene: TOPORS (TOP1 binding arginine/serine rich protein, E3 ubiquitin ligase; minus strand). Cytogenetic location: 9p21.1.
Variant type: single nucleotide variant.
Coding change: c.1378G>A on transcript NM_005802.5 (MANE Select); coding-DNA position 1378, G replaced by A.
Protein change: p.Gly460Arg; replaces glycine 460 with arginine.
Molecular consequence: missense variant.
Genome position (GRCh38, 1-based): chr9:32,543,147, C>T on the plus strand (G>A on the coding strand, the complement: TOPORS is on the minus strand). VCF-style: chr9-32543147-C-T. GRCh37 (hg19) VCF-style: chr9-32543145-C-T.
Other names: c.1183G>A, p.Gly395Arg (NM_001195622.2); short protein forms G460R, G395R.
Identifiers: ClinVar variation 2997992 (VCV002997992.3), dbSNP rs2489451551, ClinGen allele CA373170149.
Genomic context (GRCh38, chr9:32,543,147, plus strand): 5'-TGACACAATTATCTGAAGAATCATCACTGTCATTATTTAGGTCGTCATTGGTTTGTACTC[C>T]TTGTATCTGAGACGTGGCTCCTCCTGTGACAAGTTCTTCATCTGAACTGTCAGAAGTATT-3'
Protein context (NP_005793.2, residues 450-470): VTGGATSQIQ[Gly460Arg]VQTNDDLNND